The following is an entry in ClinVar:

ClinVar aggregate classification (germline): Uncertain significance. Review status: criteria provided, multiple submitters, no conflicts (2 of 4 stars). 6 submissions from 4 submitters: Uncertain significance (5). 1 of the submissions does not count toward it. Last evaluated 2024-04-02.

Conditions:
COACH syndrome 3. Identifiers: MedGen C5436841, MONDO:0030862, OMIM 619113.
Joubert syndrome 7 (JBTS7). Identifiers: Orphanet 220497, MedGen C1969053, MONDO:0012694, OMIM 611560.
Meckel syndrome, type 5 (MKS5). Identifiers: Orphanet 564, MedGen C1969052, MONDO:0012695, OMIM 611561.
Meckel-Gruber syndrome. Also called: DYSENCEPHALIA SPLANCHNOCYSTICA; GRUBER SYNDROME; Dysencephalia splachnocystica. Identifiers: Orphanet 564, MedGen C0265215, MONDO:0018921.
Joubert syndrome. Also called: CEREBELLOPARENCHYMAL DISORDER IV; JOUBERT-BOLTSHAUSER SYNDROME; Familial aplasia of the vermis. Identifiers: Orphanet 475, MedGen C5979921, MONDO:0018772.
Nephronophthisis 8. Identifiers: MedGen CN119610.

Allele frequency attached by ClinVar (database versions not stated): gnomAD 0.00001; gnomAD exomes 0.00001 and 0.00007; TOPMed 0.00002; ExAC 0.00006.
gnomAD v4.1: 11 of 1,613,842 alleles (0.00068%); highest among the groups gnomAD compares: East Asian, 0.025%; no homozygotes.

Submissions (6):

Fulgent Genetics
Classification: Uncertain significance for Joubert syndrome 7; Meckel syndrome, type 5; COACH syndrome 3. Last evaluated: 2024-04-02. Review status: criteria provided, single submitter. Criteria: ACMG Guidelines, 2015. Collection method: clinical testing. Allele origin: germline.

Labcorp Genetics (formerly Invitae), Labcorp
Classification: Uncertain significance for Joubert syndrome; Meckel-Gruber syndrome. Last evaluated: 2021-11-01. Review status: criteria provided, single submitter. Criteria: Invitae Variant Classification Sherloc (09022015). Collection method: clinical testing. Allele origin: germline.
Comment: This sequence change replaces aspartic acid, which is acidic and polar, with asparagine, which is neutral and polar, at codon 1167 of the RPGRIP1L protein (p.Asp1167Asn). This variant is present in population databases (rs746806282, gnomAD 0.1%). This variant has not been reported in the literature in individuals affected with RPGRIP1L-related conditions. ClinVar contains an entry for this variant (Variation ID: 887607). Algorithms developed to predict the effect of missense changes on protein structure and function (SIFT, PolyPhen-2, Align-GVGD) all suggest that this variant is likely to be tolerated. In summary, the available evidence is currently insufficient to determine the role of this variant in disease. Therefore, it has been classified as a Variant of Uncertain Significance.

Illumina Laboratory Services, Illumina
Classification: Uncertain significance for Nephronophthisis 8. Last evaluated: 2018-01-13. Review status: criteria provided, single submitter. Criteria: ICSL Variant Classification Criteria 13 December 2019. Collection method: clinical testing. Allele origin: germline.

Illumina Laboratory Services, Illumina
Classification: Uncertain significance for Joubert syndrome 7. Last evaluated: 2018-01-13. Review status: criteria provided, single submitter. Criteria: ICSL Variant Classification Criteria 13 December 2019. Collection method: clinical testing. Allele origin: germline.

Illumina Laboratory Services, Illumina
Classification: Uncertain significance for Meckel syndrome, type 5. Last evaluated: 2018-01-13. Review status: criteria provided, single submitter. Criteria: ICSL Variant Classification Criteria 13 December 2019. Collection method: clinical testing. Allele origin: germline.

Natera, Inc.
Classification: Uncertain significance for Joubert syndrome. Last evaluated: 2020-08-02. Review status: no assertion criteria provided. Collection method: clinical testing. Allele origin: germline. Not counted in ClinVar's aggregate classification.

NM_015272.5(RPGRIP1L):c.3499G>A (p.Asp1167Asn)

Gene: RPGRIP1L (RPGRIP1 like; minus strand). Cytogenetic location: 16q12.2.
Variant type: single nucleotide variant.
Coding change: c.3499G>A on transcript NM_015272.5 (MANE Select); coding-DNA position 3499, G replaced by A.
Protein change: p.Asp1167Asn; replaces aspartic acid 1167 with asparagine.
Molecular consequence: missense variant.
Genome position (GRCh38, 1-based): chr16:53,619,142, C>T on the plus strand (G>A on the coding strand, the complement: RPGRIP1L is on the minus strand). VCF-style: chr16-53619142-C-T. GRCh37 (hg19) VCF-style: chr16-53653054-C-T.
Other names: c.3259G>A, p.Asp1087Asn (NM_001127897.4); c.3361G>A, p.Asp1121Asn (NM_001308334.3); c.3397G>A, p.Asp1133Asn (NM_001330538.2); short protein forms D1133N, D1087N, D1167N, D1121N.
Identifiers: ClinVar variation 887607 (VCV000887607.8), dbSNP rs746806282, ClinGen allele CA8057268.